The following is an entry in ClinVar:

ClinVar aggregate classification (germline): Uncertain significance (1 of 4 stars; one submission).

Allele frequency attached by ClinVar (database versions not stated): gnomAD exomes below 0.00001.
gnomAD v4.1: 1 of 1,614,158 alleles (0.000062%); highest among the groups gnomAD compares: Non-Finnish European, 0.000085%; no homozygotes.

Submission:

Labcorp Genetics (formerly Invitae), Labcorp
Classification: Uncertain significance. Last evaluated: 2023-04-28. Review status: criteria provided, single submitter. Criteria: Invitae Variant Classification Sherloc (09022015). Collection method: clinical testing. Allele origin: germline.
Comment: This variant has not been reported in the literature in individuals affected with IRF2BP2-related conditions. This variant is not present in population databases (gnomAD no frequency). This sequence change replaces serine, which is neutral and polar, with phenylalanine, which is neutral and non-polar, at codon 460 of the IRF2BP2 protein (p.Ser460Phe). An algorithm developed to predict the effect of missense changes on protein structure and function (PolyPhen-2) suggests that this variant is likely to be disruptive. In summary, the available evidence is currently insufficient to determine the role of this variant in disease. Therefore, it has been classified as a Variant of Uncertain Significance.

NM_182972.3(IRF2BP2):c.1379C>T (p.Ser460Phe)

Gene: IRF2BP2 (interferon regulatory factor 2 binding protein 2; minus strand). Cytogenetic location: 1q42.3.
Variant type: single nucleotide variant.
Coding change: c.1379C>T on transcript NM_182972.3 (MANE Select); coding-DNA position 1379, C replaced by T.
Protein change: p.Ser460Phe; replaces serine 460 with phenylalanine.
Molecular consequence: missense variant.
Genome position (GRCh38, 1-based): chr1:234,607,522, G>A on the plus strand (C>T on the coding strand, the complement: IRF2BP2 is on the minus strand). VCF-style: chr1-234607522-G-A. GRCh37 (hg19) VCF-style: chr1-234743268-G-A.
Other names: c.1331C>T, p.Ser444Phe (NM_001077397.1); short protein forms S460F, S444F.
Identifiers: ClinVar variation 2821640 (VCV002821640.3), dbSNP rs2528514304, ClinGen allele CA345305832.